The following is an entry in ClinVar:

ClinVar aggregate classification (germline): Uncertain significance (1 of 4 stars; one submission).

Conditions:
Hereditary cancer-predisposing syndrome. Also called: Neoplastic Syndromes, Hereditary; Tumor predisposition; Hereditary Cancer Syndrome; Hereditary neoplastic syndrome. Identifiers: Orphanet 140162, MedGen C0027672, MeSH D009386, MONDO:0015356.

gnomAD v4.1: 1 of 1,614,050 alleles (0.000062%); highest among the groups gnomAD compares: Non-Finnish European, 0.000085%; no homozygotes.

Submission:

Ambry Genetics
Classification: Uncertain significance for Hereditary cancer-predisposing syndrome. Last evaluated: 2025-10-21. Review status: criteria provided, single submitter. Criteria: Ambry Variant Classification Scheme 2023. Collection method: clinical testing. Allele origin: germline.
Comment: The p.S121T variant (also known as c.362G>C), located in coding exon 5 of the MAX gene, results from a G to C substitution at nucleotide position 362. The serine at codon 121 is replaced by threonine, an amino acid with similar properties. This amino acid position is conserved. In addition, this alteration is predicted to be tolerated by in silico analysis. Based on the available evidence, the clinical significance of this variant remains unclear.

NM_002382.5(MAX):c.362G>C (p.Ser121Thr)

Gene: MAX (MYC associated transcriptional regulator X; minus strand). Cytogenetic location: 14q23.3.
Variant type: single nucleotide variant.
Coding change: c.362G>C on transcript NM_002382.5 (MANE Select); coding-DNA position 362, G replaced by C.
Protein change: p.Ser121Thr; replaces serine 121 with threonine.
Molecular consequence: missense variant. On other transcripts: 3 prime UTR variant (12), non-coding transcript variant (7), intron variant (2).
Genome position (GRCh38, 1-based): chr14:65,076,597, C>G on the plus strand (G>C on the coding strand, the complement: MAX is on the minus strand). VCF-style: chr14-65076597-C-G. GRCh37 (hg19) VCF-style: chr14-65543315-C-G.
Other names: c.173G>C, p.Ser58Thr (NM_001320415.2, NM_001407105.1, NM_001407106.1 and 1 more transcripts); c.362G>C, p.Ser121Thr (NM_001407094.1); c.335G>C, p.Ser112Thr (NM_001407095.1, NM_145112.3); c.*135G>C (NM_001407096.1, NM_001407099.1, NM_001407102.1 and 2 more transcripts); c.*151G>C (NM_001407097.1, NM_001407100.1, NM_001407101.1 and 4 more transcripts); c.254G>C, p.Ser85Thr (NM_001407098.1); c.161G>C, p.Ser54Thr (NM_001407111.1, NM_001407112.1); c.144+17111G>C (NM_001271069.2); and 1 more; short protein forms S58T, S112T, S121T, S54T, S85T.
Identifiers: ClinVar variation 4645770 (VCV004645770.1).